The following is an entry in ClinVar:

NM_000179.3(MSH6):c.2296C>T (p.His766Tyr)

Gene: MSH6 (mutS homolog 6; plus strand). Cytogenetic location: 2p16.3.
Variant type: single nucleotide variant.
Coding change: c.2296C>T on transcript NM_000179.3 (MANE Select); coding-DNA position 2296, C replaced by T.
Protein change: p.His766Tyr; replaces histidine 766 with tyrosine.
Molecular consequence: missense variant.
Genome position (GRCh38, 1-based): chr2:47,800,279, C>T. VCF-style: chr2-47800279-C-T. GRCh37 (hg19) VCF-style: chr2-48027418-C-T.
Other names: c.1906C>T, p.His636Tyr (NM_001281492.2); c.1390C>T, p.His464Tyr (NM_001281493.2, NM_001281494.2); short protein forms H766Y, H464Y, H636Y.
Identifiers: ClinVar variation 574200 (VCV000574200.10), dbSNP rs1414463878, ClinGen allele CA346752995.

ClinVar aggregate classification (germline): Conflicting classifications of pathogenicity. Review status: criteria provided, conflicting classifications (1 of 4 stars). 2 submissions from 2 submitters: Uncertain significance (1); Likely benign (1). Last evaluated 2024-11-25.

Conditions:
Hereditary nonpolyposis colorectal neoplasms. Identifiers: MedGen C0009405, MeSH D003123.
Hereditary cancer-predisposing syndrome. Also called: Neoplastic Syndromes, Hereditary; Hereditary Cancer Syndrome; Tumor predisposition; Hereditary neoplastic syndrome. Identifiers: Orphanet 140162, MedGen C0027672, MeSH D009386, MONDO:0015356.

Allele frequency attached by ClinVar (database versions not stated): gnomAD exomes below 0.00001.

Submissions (2):

Labcorp Genetics (formerly Invitae), Labcorp
Classification: Likely benign for Hereditary nonpolyposis colorectal neoplasms. Last evaluated: 2024-11-25. Review status: criteria provided, single submitter. Criteria: Invitae Variant Classification Sherloc (09022015). Collection method: clinical testing. Allele origin: germline.

Sema4
Classification: Uncertain significance for Hereditary cancer-predisposing syndrome. Last evaluated: 2021-11-22. Review status: criteria provided, single submitter. Criteria: Sema4 Curation Guidelines. Collection method: curation. Allele origin: germline.
Comment: The MSH6 c.2296C>T (p.H766Y) variant has not been reported in the literature to our knowledge. It was observed in 1/251162 chromosomes in the large and broad cohorts of the Genome Aggregation Database (PMID: 32461654). The variant has been reported in ClinVar (Variation ID: 574200). Functional studies have not been performed, and in silico predictions of the variant's effect on protein function are inconclusive. The evidence is insufficient to meet ACMG/AMP criteria for classifying the variant as benign or pathogenic. Thus, the clinical significance of this variant is currently uncertain.